The following is an entry in ClinVar:

NM_015404.4(WHRN):c.553G>A (p.Gly185Arg)

Gene: WHRN (whirlin; minus strand). Cytogenetic location: 9q32.
Variant type: single nucleotide variant.
Coding change: c.553G>A on transcript NM_015404.4 (MANE Select); coding-DNA position 553, G replaced by A.
Protein change: p.Gly185Arg; replaces glycine 185 with arginine.
Molecular consequence: missense variant.
Genome position (GRCh38, 1-based): chr9:114,504,249, C>T on the plus strand (G>A on the coding strand, the complement: WHRN is on the minus strand). VCF-style: chr9-114504249-C-T. GRCh37 (hg19) VCF-style: chr9-117266529-C-T.
Other names: c.553G>A, p.Gly185Arg (NM_001173425.2); short protein forms G185R.
Identifiers: ClinVar variation 1474188 (VCV001474188.8), dbSNP rs755922335, ClinGen allele CA5206257.

ClinVar aggregate classification (germline): Uncertain significance (1 of 4 stars; one submission).

Allele frequency attached by ClinVar (database versions not stated): TOPMed below 0.00001; ExAC 0.00001; gnomAD 0.00001; gnomAD exomes 0.00001.
gnomAD v4.1: 6 of 1,614,046 alleles (0.00037%); highest among the groups gnomAD compares: Admixed American, 0.0067%; no homozygotes.

Submission:

Labcorp Genetics (formerly Invitae), Labcorp
Classification: Uncertain significance. Last evaluated: 2024-11-08. Review status: criteria provided, single submitter. Criteria: Invitae Variant Classification Sherloc (09022015). Collection method: clinical testing. Allele origin: germline.
Comment: This sequence change replaces glycine, which is neutral and non-polar, with arginine, which is basic and polar, at codon 185 of the WHRN protein (p.Gly185Arg). This variant is present in population databases (rs755922335, gnomAD 0.006%). This variant has not been reported in the literature in individuals affected with WHRN-related conditions. ClinVar contains an entry for this variant (Variation ID: 1474188). An algorithm developed to predict the effect of missense changes on protein structure and function (PolyPhen-2) suggests that this variant is likely to be disruptive. In summary, the available evidence is currently insufficient to determine the role of this variant in disease. Therefore, it has been classified as a Variant of Uncertain Significance.